The following is an entry in ClinVar:

ClinVar aggregate classification (germline): Uncertain significance (1 of 4 stars; one submission).

gnomAD v4.1: 1 of 1,613,608 alleles (0.000062%); highest among the groups gnomAD compares: Non-Finnish European, 0.000085%; no homozygotes.

Submission:

GeneDx
Classification: Uncertain significance. Last evaluated: 2025-02-07. Review status: criteria provided, single submitter. Criteria: GeneDx Variant Classification Process June 2021. Collection method: clinical testing. Allele origin: germline. Affected: yes.
Comment: Not observed at significant frequency in large population cohorts (gnomAD); In silico analysis indicates that this missense variant does not alter protein structure/function; Has not been previously published as pathogenic or benign to our knowledge

NM_001394998.1(TANC2):c.3100C>G (p.Leu1034Val)

Genes: TANC2 (tetratricopeptide repeat, ankyrin repeat and coiled-coil containing 2; plus strand), LOC105371856 (uncharacterized LOC105371856; minus strand). Cytogenetic location: 17q23.3.
Variant type: single nucleotide variant.
Coding change: c.3100C>G on transcript NM_001394998.1 (MANE Select); coding-DNA position 3100, C replaced by G.
Protein change: p.Leu1034Val; replaces leucine 1034 with valine.
Molecular consequence: missense variant.
Genome position (GRCh38, 1-based): chr17:63,395,791, C>G. VCF-style: chr17-63395791-C-G. GRCh37 (hg19) VCF-style: chr17-61473152-C-G.
Other names: c.2878C>G, p.Leu960Val (NM_001411076.1, NM_025185.4); short protein forms L1034V, L960V.
Identifiers: ClinVar variation 4074545 (VCV004074545.1).